The following is an entry in ClinVar:

ClinVar aggregate classification (germline): Benign. Review status: criteria provided, multiple submitters, no conflicts (2 of 4 stars). 4 submissions from 4 submitters: Benign (4). Last evaluated 2021-07-14.

Conditions:
Hearing loss, autosomal recessive 112. Also called: DEAFNESS, AUTOSOMAL RECESSIVE 112. Identifiers: MedGen C4748855, MONDO:0032639, OMIM 618257.

Allele frequency attached by ClinVar (database versions not stated): gnomAD 0.45039 and 0.44915; gnomAD exomes 0.45654 and 0.48162; TOPMed 0.42806; 1000 Genomes Project 30x 0.43645; ExAC 0.46310; 1000 Genomes Project 0.43970; ESP Exome Variant Server 0.45004.
gnomAD v4.1: 771,837 of 1,612,486 alleles (48%); highest among the groups gnomAD compares: South Asian, 55%; 187,031 homozygotes.

Submissions (4):

Genome-Nilou Lab
Classification: Benign for Hearing loss, autosomal recessive 112. Last evaluated: 2021-07-14. Review status: criteria provided, single submitter. Criteria: ACMG Guidelines, 2015. Collection method: clinical testing. Allele origin: germline. Affected: no.

Mayo Clinic Laboratories, Mayo Clinic
Classification: Benign. Last evaluated: 2019-07-31. Review status: criteria provided, single submitter. Criteria: ACMG Guidelines, 2015. Collection method: clinical testing. Allele origin: germline. Observed: 74 variant alleles.

GeneDx
Classification: Benign. Last evaluated: 2017-05-09. Review status: criteria provided, single submitter. Criteria: GeneDx Variant Classification (06012015). Collection method: clinical testing. Allele origin: germline. Affected: yes.
Comment: This variant is considered likely benign or benign based on one or more of the following criteria: it is a conservative change, it occurs at a poorly conserved position in the protein, it is predicted to be benign by multiple in silico algorithms, and/or has population frequency not consistent with disease.

Breakthrough Genomics
Classification: Benign. Review status: criteria provided, single submitter. Criteria: ACMG Guidelines, 2015. Collection method: not provided. Allele origin: germline. Inheritance: Autosomal recessive inheritance. Affected: yes.

NM_018429.3(BDP1):c.3538G>A (p.Gly1180Ser)

Gene: BDP1 (BDP1 general transcription factor IIIB subunit; plus strand). Cytogenetic location: 5q13.2.
Variant type: single nucleotide variant.
Coding change: c.3538G>A on transcript NM_018429.3 (MANE Select); coding-DNA position 3538, G replaced by A.
Protein change: p.Gly1180Ser; replaces glycine 1180 with serine.
Molecular consequence: missense variant.
Genome position (GRCh38, 1-based): chr5:71,510,630, G>A. VCF-style: chr5-71510630-G-A. GRCh37 (hg19) VCF-style: chr5-70806457-G-A.
Other names: p.Gly1180Ser; short protein forms G1180S.
Identifiers: ClinVar variation 506538 (VCV000506538.6), dbSNP rs715748, ClinGen allele CA3296487.